The following is an entry in ClinVar:

NM_006446.5(SLCO1B1):c.1747+9A>G

Gene: SLCO1B1 (solute carrier organic anion transporter family member 1B1; plus strand). Cytogenetic location: 12p12.1.
Variant type: single nucleotide variant.
Coding change: c.1747+9A>G on transcript NM_006446.5 (MANE Select); 9 bases into the intron after coding-DNA position 1747, A replaced by G.
Molecular consequence: intron variant.
Genome position (GRCh38, 1-based): chr12:21,222,373, A>G. VCF-style: chr12-21222373-A-G. GRCh37 (hg19) VCF-style: chr12-21375307-A-G.
Other names: c.1747+9A>G (LRG_1022t1).
Identifiers: ClinVar variation 307957 (VCV000307957.14), dbSNP rs71577817, ClinGen allele CA6477123.

ClinVar aggregate classification (germline): Benign/Likely benign. Review status: criteria provided, multiple submitters, no conflicts (2 of 4 stars). 4 submissions from 4 submitters: Benign (2); Likely benign (2). Last evaluated 2021-05-23.

Conditions:
Rotor syndrome (HBLRR). Also called: HYPERBILIRUBINEMIA, ROTOR TYPE, DIGENIC; HYPERBILIRUBINEMIA, ROTOR TYPE. Identifiers: Orphanet 3111, MedGen C0220991, MONDO:0009379, OMIM 237450.

Allele frequency attached by ClinVar (database versions not stated): gnomAD 0.00351 and 0.00361; 1000 Genomes Project 0.01877; ExAC 0.05257; gnomAD exomes 0.11227.
gnomAD v4.1: 6,209 of 169,830 alleles (3.7%); highest among the groups gnomAD compares: Admixed American, 4.3%; 102 homozygotes.

Submissions (4):

GeneDx
Classification: Benign. Last evaluated: 2021-05-23. Review status: criteria provided, single submitter. Criteria: GeneDx Variant Classification Process June 2021. Collection method: clinical testing. Allele origin: germline. Affected: yes.

ARUP Laboratories, Molecular Genetics and Genomics, ARUP Laboratories
Classification: Benign. Last evaluated: 2019-01-09. Review status: criteria provided, single submitter. Criteria: ARUP Molecular Germline Variant Investigation Process. Collection method: clinical testing. Allele origin: germline.

Illumina Laboratory Services, Illumina
Classification: Likely benign for Rotor syndrome. Last evaluated: 2017-04-27. Review status: criteria provided, single submitter. Criteria: ICSL Variant Classification Criteria 13 December 2019. Collection method: clinical testing. Allele origin: germline.
Comment: This variant was observed as part of a predisposition screen in an ostensibly healthy population. A literature search was performed for the gene, cDNA change, and amino acid change (where applicable). No publications were found based on this search. Allele frequency data from public databases allowed determination this variant is unlikely to cause disease. Therefore, this variant is classified as likely benign.

Breakthrough Genomics
Classification: Likely benign. Review status: criteria provided, single submitter. Criteria: ACMG Guidelines, 2015. Collection method: not provided. Allele origin: germline. Inheritance: Autosomal recessive inheritance. Affected: yes.